The following is an entry in ClinVar:

ClinVar aggregate classification (germline): Uncertain significance (1 of 4 stars; one submission).

Conditions:
Hereditary cancer-predisposing syndrome. Also called: Neoplastic Syndromes, Hereditary; Tumor predisposition; Hereditary Cancer Syndrome; Hereditary neoplastic syndrome. Identifiers: Orphanet 140162, MedGen C0027672, MeSH D009386, MONDO:0015356.

Submission:

Ambry Genetics
Classification: Uncertain significance for Hereditary cancer-predisposing syndrome. Last evaluated: 2026-02-16. Review status: criteria provided, single submitter. Criteria: Ambry Variant Classification Scheme 2023. Collection method: clinical testing. Allele origin: germline.
Comment: The p.V955L variant (also known as c.2863G>C), located in coding exon 21 of the KIT gene, results from a G to C substitution at nucleotide position 2863. The valine at codon 955 is replaced by leucine, an amino acid with highly similar properties. This amino acid position is conserved. In addition, this alteration is predicted to be tolerated by in silico analysis. Based on the available evidence, the clinical significance of this variant remains unclear.

NM_000222.3(KIT):c.2863G>C (p.Val955Leu)

Gene: KIT (KIT proto-oncogene, receptor tyrosine kinase; plus strand). Cytogenetic location: 4q12.
Variant type: single nucleotide variant.
Coding change: c.2863G>C on transcript NM_000222.3 (MANE Select); coding-DNA position 2863, G replaced by C.
Protein change: p.Val955Leu; replaces valine 955 with leucine.
Molecular consequence: missense variant.
Genome position (GRCh38, 1-based): chr4:54,738,489, G>C. VCF-style: chr4-54738489-G-C. GRCh37 (hg19) VCF-style: chr4-55604655-G-C.
Other names: c.2851G>C, p.Val951Leu (NM_001093772.2, NM_001385292.1); c.2866G>C, p.Val956Leu (NM_001385284.1); c.2860G>C, p.Val954Leu (NM_001385285.1); c.2848G>C, p.Val950Leu (NM_001385286.1); c.2854G>C, p.Val952Leu (NM_001385288.1); c.2863G>C, p.Val955Leu (NM_001385290.1); short protein forms V955L, V950L, V952L, V956L, V951L, V954L.
Identifiers: ClinVar variation 4825612 (VCV004825612.1).